The following is an entry in ClinVar:

ClinVar aggregate classification (germline): Likely benign (0 of 4 stars; one submission).

Conditions:
DNAH10-related disorder. Also called: DNAH10-related condition.

Allele frequency attached by ClinVar (database versions not stated): ExAC 0.00005; TOPMed 0.00005; gnomAD 0.00006; gnomAD exomes 0.00006; ESP Exome Variant Server 0.00008.
gnomAD v4.1: 95 of 1,604,802 alleles (0.0059%); highest among the groups gnomAD compares: Non-Finnish European, 0.0071%; no homozygotes.

Submission:

PreventionGenetics, part of Exact Sciences
Classification: Likely benign for DNAH10-related condition. Last evaluated: 2019-04-08. Review status: no assertion criteria provided. Collection method: clinical testing. Allele origin: germline.
Comment: This variant is classified as likely benign based on ACMG/AMP sequence variant interpretation guidelines (Richards et al. 2015 PMID: 25741868, with internal and published modifications).

NM_001372106.1(DNAH10):c.8826G>A (p.Val2942=)

Gene: DNAH10 (dynein axonemal heavy chain 10; plus strand). Cytogenetic location: 12q24.31.
Variant type: single nucleotide variant.
Coding change: c.8826G>A on transcript NM_001372106.1 (MANE Select); coding-DNA position 8826, G replaced by A.
Protein change: p.Val2942=; no amino-acid change (valine 2942 retained).
Molecular consequence: synonymous variant.
Genome position (GRCh38, 1-based): chr12:123,887,144, G>A. VCF-style: chr12-123887144-G-A. GRCh37 (hg19) VCF-style: chr12-124371691-G-A.
Other names: c.8472G>A, p.Val2824= (NM_001083900.1, NM_207437.3).
Identifiers: ClinVar variation 3057994 (VCV003057994.2), dbSNP rs370457779, ClinGen allele CA6864880.